The following is an entry in ClinVar:

ClinVar aggregate classification (germline): Likely benign (1 of 4 stars; one submission).

Allele frequency attached by ClinVar (database versions not stated): ESP Exome Variant Server 0.00023; 1000 Genomes Project 0.00040; 1000 Genomes Project 30x 0.00062.
gnomAD v4.1: 80 of 1,614,092 alleles (0.005%); highest among the groups gnomAD compares: African/African-American, 0.053%; 3 homozygotes.

Submission:

CeGaT Center for Human Genetics Tuebingen
Classification: Likely benign. Last evaluated: 2022-09-01. Review status: criteria provided, single submitter. Criteria: CeGaT Center For Human Genetics Tuebingen Variant Classification Criteria Version 2. Collection method: clinical testing. Allele origin: germline. Affected: yes. Observed: 1 variant allele.
Comment: RRBP1: BP4, BP7

NM_001365613.2(RRBP1):c.1956G>A (p.Thr652=)

Gene: RRBP1 (ribosome binding protein 1; minus strand). Cytogenetic location: 20p12.1.
Variant type: single nucleotide variant.
Coding change: c.1956G>A on transcript NM_001365613.2 (MANE Select); coding-DNA position 1956, G replaced by A.
Protein change: p.Thr652=; no amino-acid change (threonine 652 retained).
Molecular consequence: synonymous variant.
Genome position (GRCh38, 1-based): chr20:17,643,084, C>T on the plus strand (G>A on the coding strand, the complement: RRBP1 is on the minus strand). VCF-style: chr20-17643084-C-T. GRCh37 (hg19) VCF-style: chr20-17623729-C-T.
Other names: c.657G>A, p.Thr219= (NM_001042576.2, NM_004587.3).
Identifiers: ClinVar variation 2652212 (VCV002652212.24), dbSNP rs147086464, ClinGen allele CA9773720.